The following is an entry in ClinVar:

NM_006767.4(LZTR1):c.987C>G (p.Asp329Glu)

Gene: LZTR1 (leucine zipper like post translational regulator 1; plus strand). Cytogenetic location: 22q11.21.
Variant type: single nucleotide variant.
Coding change: c.987C>G on transcript NM_006767.4 (MANE Select); coding-DNA position 987, C replaced by G.
Protein change: p.Asp329Glu; replaces aspartic acid 329 with glutamic acid.
Molecular consequence: missense variant.
Genome position (GRCh38, 1-based): chr22:20,991,823, C>G. VCF-style: chr22-20991823-C-G. GRCh37 (hg19) VCF-style: chr22-21346112-C-G.
Other names: short protein forms D329E.
Identifiers: ClinVar variation 4742003 (VCV004742003.1).

ClinVar aggregate classification (germline): Uncertain significance (1 of 4 stars; one submission).

Submission:

Labcorp Genetics (formerly Invitae), Labcorp
Classification: Uncertain significance. Last evaluated: 2026-01-19. Review status: criteria provided, single submitter. Criteria: Invitae Variant Classification Sherloc (09022015). Collection method: clinical testing. Allele origin: germline.
Comment: This sequence change replaces aspartic acid, which is acidic and polar, with glutamic acid, which is acidic and polar, at codon 329 of the LZTR1 protein (p.Asp329Glu). This variant is not present in population databases (gnomAD no frequency). This variant has not been reported in the literature in individuals affected with LZTR1-related conditions. Invitae Evidence Modeling of protein sequence and biophysical properties (such as structural, functional, and spatial information, amino acid conservation, physicochemical variation, residue mobility, and thermodynamic stability) indicates that this missense variant is not expected to disrupt LZTR1 protein function with a negative predictive value of 80%. In summary, the available evidence is currently insufficient to determine the role of this variant in disease. Therefore, it has been classified as a Variant of Uncertain Significance.